The following is an entry in ClinVar:

ClinVar aggregate classification (germline): Uncertain significance. Review status: criteria provided, multiple submitters, no conflicts (2 of 4 stars). 2 submissions from 2 submitters: Uncertain significance (2). Last evaluated 2025-09-27.

Conditions:
Christianson syndrome (MRXSCH). Also called: SLC9A6-Related Syndromic Mental Retardation; INTELLECTUAL DEVELOPMENTAL DISORDER, X-LINKED, SYNDROMIC, CHRISTIANSON TYPE; X-linked mental retardation, syndromic, Christianson type. Identifiers: Orphanet 85278, MedGen C2678194, MONDO:0010278, OMIM 300243.

gnomAD v4.1: 3 of 1,130,890 alleles (0.00027%); highest among the groups gnomAD compares: Admixed American, 0.0083%; no homozygotes.

Submissions (2):

Labcorp Genetics (formerly Invitae), Labcorp
Classification: Uncertain significance for Christianson syndrome. Last evaluated: 2025-09-27. Review status: criteria provided, single submitter. Criteria: Invitae Variant Classification Sherloc (09022015). Collection method: clinical testing. Allele origin: germline.
Comment: This sequence change replaces alanine, which is neutral and non-polar, with proline, which is neutral and non-polar, at codon 9 of the SLC9A6 protein (p.Ala9Pro). This variant is present in population databases (no rsID available, gnomAD 0.01%). This variant has not been reported in the literature in individuals affected with SLC9A6-related conditions. ClinVar contains an entry for this variant (Variation ID: 1030062). Experimental studies and prediction algorithms are not available or were not evaluated, and the functional significance of this variant is currently unknown. In summary, the available evidence is currently insufficient to determine the role of this variant in disease. Therefore, it has been classified as a Variant of Uncertain Significance.

Baylor Genetics
Classification: Uncertain significance for Christianson syndrome. Last evaluated: 2019-07-03. Review status: criteria provided, single submitter. Criteria: ACMG Guidelines, 2015. Collection method: clinical testing. Allele origin: unknown. Affected: yes.
Comment: This variant was determined to be of uncertain significance according to ACMG Guidelines, 2015 [PMID:25741868].

NM_001379110.1(SLC9A6):c.-57+50G>C

Genes: SLC9A6 (solute carrier family 9 member A6; plus strand), LOC130068746 (ATAC-STARR-seq lymphoblastoid silent region 21025; plus strand). Cytogenetic location: Xq26.3.
Variant type: single nucleotide variant.
Coding change: c.-57+50G>C on transcript NM_001379110.1 (MANE Select); 50 bases into the intron after 57 bases upstream of the start codon, G replaced by C.
Molecular consequence: intron variant. On other transcripts: missense variant (2).
Genome position (GRCh38, 1-based): chrX:135,985,527, G>C. VCF-style: chrX-135985527-G-C. GRCh37 (hg19) VCF-style: chrX-135067686-G-C.
Other names: c.25G>C, p.Ala9Pro (NM_001042537.2, NM_006359.3); c.-57+50G>C (NM_001177651.2); c.-57+55G>C (NM_001330652.2); short protein forms A9P.
Identifiers: ClinVar variation 1030062 (VCV001030062.7), dbSNP rs201523857, ClinGen allele CA414606364.